The following is an entry in ClinVar:

ClinVar aggregate classification (germline): Likely benign (0 of 4 stars; one submission).

Conditions:
TNS1-related disorder. Also called: TNS1-related condition.

Allele frequency attached by ClinVar (database versions not stated): gnomAD exomes 0.00009; gnomAD 0.00013; ESP Exome Variant Server 0.00015; TOPMed 0.00017; ExAC 0.00029.
gnomAD v4.1: 152 of 1,613,962 alleles (0.0094%); highest among the groups gnomAD compares: Admixed American, 0.1%; no homozygotes.

Submission:

PreventionGenetics, part of Exact Sciences
Classification: Likely benign for TNS1-related condition. Last evaluated: 2019-12-18. Review status: no assertion criteria provided. Collection method: clinical testing. Allele origin: germline.
Comment: This variant is classified as likely benign based on ACMG/AMP sequence variant interpretation guidelines (Richards et al. 2015 PMID: 25741868, with internal and published modifications).

NM_001387777.1(TNS1):c.4167C>T (p.Ser1389=)

Gene: TNS1 (tensin 1; minus strand). Cytogenetic location: 2q35.
Variant type: single nucleotide variant.
Coding change: c.4167C>T on transcript NM_001387777.1 (MANE Select); coding-DNA position 4167, C replaced by T.
Protein change: p.Ser1389=; no amino-acid change (serine 1389 retained).
Molecular consequence: synonymous variant.
Genome position (GRCh38, 1-based): chr2:217,818,165, G>A on the plus strand (C>T on the coding strand, the complement: TNS1 is on the minus strand). VCF-style: chr2-217818165-G-A. GRCh37 (hg19) VCF-style: chr2-218682888-G-A.
Other names: c.3816C>T, p.Ser1272= (NM_001308022.2); c.3792C>T, p.Ser1264= (NM_001308023.2); c.3855C>T, p.Ser1285= (NM_022648.7).
Identifiers: ClinVar variation 3048276 (VCV003048276.2), dbSNP rs150663283, ClinGen allele CA2099694.